The following is an entry in ClinVar:

ClinVar aggregate classification (germline): Benign (1 of 4 stars; one submission).

Conditions:
Leigh syndrome (NULS). Also called: Leigh's necrotizing encephalopathy; Leigh's disease; Leigh Syndrome (mtDNA deletion); Leigh Disease; Subacute necrotizing encephalopathy; Necrotizing encephalopathy infantile subacute of Leigh. Identifiers: Orphanet 506, MedGen C2931891, MONDO:0009723, OMIM 256000.

Submission:

Wong Mito Lab, Molecular and Human Genetics, Baylor College of Medicine
Classification: Benign for Leigh syndrome. Last evaluated: 2019-10-17. Review status: criteria provided, single submitter. Criteria: Modified ACMG Guidelines (Unpublished). Collection method: clinical testing. Allele origin: germline.
Comment: The NC_012920.1:m.8026A>T (YP_003024029.1:p.Glu147Asp) variant in MTCO2 gene is interpretated to be a Benign variant based on the modified ACMG guidelines (unpublished). This variant meets the following evidence codes: BS1, BS4, BP4

NC_012920.1(MT-CO2):m.8026A>T

Gene: MT-CO2 (mitochondrially encoded cytochrome c oxidase II; plus strand).
Variant type: single nucleotide variant.
Genome position: chrM-8026-A-T.
Identifiers: ClinVar variation 692811 (VCV000692811.1), dbSNP rs1603221263, ClinGen allele CA414794700.